The following is an entry in ClinVar:

NM_001329943.3(KIAA0586):c.1129+11del

Gene: KIAA0586 (KIAA0586; plus strand). Cytogenetic location: 14q23.1.
Variant type: Deletion.
Coding change: c.1129+11del on transcript NM_001329943.3 (MANE Select); 11 bases into the intron after coding-DNA position 1129, one base deleted (C; older notation c.1129+11delC).
Molecular consequence: intron variant.
Genome position (GRCh38, 1-based): chr14:58,450,757, C deleted. VCF-style (leftmost placement, unchanged base first): chr14-58450756-AC-A. GRCh37 (hg19) VCF-style: chr14-58917474-AC-A.
Other names: c.1288+11del (NM_001244189.2); c.1084+11del (NM_001244190.2); c.997+11del (NM_001244192.2); c.874+11del (NM_001244191.2, NM_001364701.2, NM_001329945.2 and 1 more transcripts); c.1129+11del (NM_001329944.2, NM_001329946.2, NM_001329947.2 and 1 more transcripts); c.709+11del (NM_001244193.2).
Identifiers: ClinVar variation 1166271 (VCV001166271.11), dbSNP rs142477754, ClinGen allele CA7205557.

ClinVar aggregate classification (germline): Benign/Likely benign. Review status: criteria provided, multiple submitters, no conflicts (2 of 4 stars). 3 submissions from 3 submitters: Benign (1); Likely benign (2). Last evaluated 2026-02-01.

Conditions:
Joubert syndrome 23 (JBTS23). Identifiers: Orphanet 475, MedGen C4084822, MONDO:0014664, OMIM 616490.
Short-rib thoracic dysplasia 14 with polydactyly (SRTD14). Identifiers: Orphanet 397715, MedGen C4225286, MONDO:0014688, OMIM 616546.

Allele frequency attached by ClinVar (database versions not stated): gnomAD 0.00040 and 0.00054; gnomAD exomes 0.00047 and 0.00122; TOPMed 0.00068; ExAC 0.00145; 1000 Genomes Project 30x 0.00219; 1000 Genomes Project 0.00260.

Submissions (3):

Labcorp Genetics (formerly Invitae), Labcorp
Classification: Benign for Joubert syndrome 23; Short-rib thoracic dysplasia 14 with polydactyly. Last evaluated: 2026-02-01. Review status: criteria provided, single submitter. Criteria: Invitae Variant Classification Sherloc (09022015). Collection method: clinical testing. Allele origin: germline.

Blueprint Genetics
Classification: Likely benign. Last evaluated: 2024-10-08. Review status: criteria provided, single submitter. Criteria: ACMG Guidelines, 2015. Collection method: clinical testing. Allele origin: germline.

GeneDx
Classification: Likely benign. Last evaluated: 2020-07-27. Review status: criteria provided, single submitter. Criteria: GeneDx Variant Classification Process June 2021. Collection method: clinical testing. Allele origin: germline. Affected: yes.
Comment: See Variant Classification Assertion Criteria.